The following is an entry in ClinVar:

NM_001267550.2(TTN):c.61276C>T (p.Leu20426Phe)

Genes: TTN (titin; minus strand), TTN-AS1 (TTN antisense RNA 1; plus strand). Cytogenetic location: 2q31.2.
Variant type: single nucleotide variant.
Coding change: c.61276C>T on transcript NM_001267550.2 (MANE Select); coding-DNA position 61276, C replaced by T.
Protein change: p.Leu20426Phe; replaces leucine 20426 with phenylalanine.
Molecular consequence: missense variant.
Genome position (GRCh38, 1-based): chr2:178,590,449, G>A on the plus strand (C>T on the coding strand, the complement: TTN is on the minus strand). VCF-style: chr2-178590449-G-A. GRCh37 (hg19) VCF-style: chr2-179455176-G-A.
Other names: c.56353C>T, p.Leu18785Phe (NM_001256850.1); c.34081C>T, p.Leu11361Phe (NM_003319.4); c.53572C>T, p.Leu17858Phe (NM_133378.4); c.34456C>T, p.Leu11486Phe (NM_133432.3); c.34657C>T, p.Leu11553Phe (NM_133437.4); short protein forms L20426F, L17858F, L11553F, L11361F, L18785F, L11486F.
Identifiers: ClinVar variation 332818 (VCV000332818.23), dbSNP rs377529060, ClinGen allele CA1992388.

ClinVar aggregate classification (germline): Conflicting classifications of pathogenicity. Review status: criteria provided, conflicting classifications (1 of 4 stars). 12 submissions from 8 submitters: Uncertain significance (5); Benign (2); Likely benign (4). 1 of the submissions does not count toward it. Last evaluated 2026-01-28.

Conditions:
Autosomal recessive limb-girdle muscular dystrophy type 2J (LGMDR10). Also called: Limb-girdle muscular dystrophy, type 2J; MUSCULAR DYSTROPHY, LIMB-GIRDLE, AUTOSOMAL RECESSIVE 10. Identifiers: Orphanet 140922, MedGen C1837342, MONDO:0012127, OMIM 608807.
Cardiovascular phenotype. Identifiers: MedGen CN230736.
Dilated cardiomyopathy 1G (CMD1G). Identifiers: Orphanet 154, MedGen C1858763, MONDO:0011400, OMIM 604145.
Early-onset myopathy with fatal cardiomyopathy (CMYO5). Also called: Salih Myopathy; CONGENITAL MYOPATHY 5 WITH CARDIOMYOPATHY. Identifiers: Orphanet 289377, MedGen C2673677, MONDO:0012714, OMIM 611705. Disease mechanism: loss of function.
Myopathy, myofibrillar, 9, with early respiratory failure (MFM9). Also called: Hereditary myopathy with early respiratory failure; Myopathy, distal, with early respiratory failure, autosomal dominant; EDSTROM MYOPATHY; MYOPATHY, PROXIMAL, WITH EARLY RESPIRATORY MUSCLE INVOLVEMENT. Identifiers: Orphanet 178464, Orphanet 34521, MedGen C1863599, MONDO:0011362, OMIM 603689.
Tibial muscular dystrophy (TMD). Also called: Tibial muscular dystrophy, tardive; UDD MYOPATHY; Udd Distal Myopathy – Tibial Muscular Dystrophy. Identifiers: Orphanet 609, MedGen C1838244, MONDO:0010870, OMIM 600334.
TTN-related disorder. Also called: TTN-related disorders; TTN-related condition; TTN-related disease.
Cardiomyopathy (CMYO). Also called: Cardiomyopathies. Identifiers: Orphanet 167848, MedGen C0878544, MONDO:0004994, HP:0001638. Inheritance: Various modes of inheritance.

Allele frequency attached by ClinVar (database versions not stated): gnomAD exomes 0.00008 and 0.00002; 1000 Genomes Project 30x 0.00016; 1000 Genomes Project 0.00020; TOPMed 0.00003; gnomAD 0.00004; ExAC 0.00008.
gnomAD v4.1: 44 of 1,612,976 alleles (0.0027%); highest among the groups gnomAD compares: East Asian, 0.054%; 1 homozygote.

Submissions (12):

Labcorp Genetics (formerly Invitae), Labcorp
Classification: Likely benign for Dilated cardiomyopathy 1G; Autosomal recessive limb-girdle muscular dystrophy type 2J. Last evaluated: 2026-01-28. Review status: criteria provided, single submitter. Criteria: Invitae Variant Classification Sherloc (09022015). Collection method: clinical testing. Allele origin: germline.

Revvity Omics, Revvity
Classification: Uncertain significance. Last evaluated: 2025-03-24. Review status: criteria provided, single submitter. Criteria: ACMG Guidelines, 2015. Collection method: clinical testing. Allele origin: germline.

Blueprint Genetics
Classification: Likely benign. Last evaluated: 2024-11-14. Review status: criteria provided, single submitter. Criteria: ACMG Guidelines, 2015. Collection method: clinical testing. Allele origin: germline.

CHEO Genetics Diagnostic Laboratory, Children's Hospital of Eastern Ontario
Classification: Likely benign for Cardiomyopathy. Last evaluated: 2023-06-26. Review status: criteria provided, single submitter. Criteria: ACMG Guidelines, 2015. Collection method: clinical testing. Allele origin: germline.

Women's Health and Genetics/Laboratory Corporation of America, LabCorp
Classification: Likely benign. Last evaluated: 2021-04-15. Review status: criteria provided, single submitter. Criteria: LabCorp Variant Classification Summary - May 2015. Collection method: clinical testing. Allele origin: germline.
Comment: Variant summary: TTN c.53572C>T (p.Leu17858Phe) results in a non-conservative amino acid change in the encoded protein sequence. Three of five in-silico tools predict a benign effect of the variant on protein function. The variant allele was found at a frequency of 8.5e-05 in 247964 control chromosomes, predominantly at a frequency of 0.001 within the East Asian subpopulation in the gnomAD database, including 1 homozygotes. The observed variant frequency within East Asian control individuals in the gnomAD database is approximately 2.5 fold of the estimated maximal expected allele frequency for a pathogenic variant in TTN causing Dilated Cardiomyopathy phenotype (0.00039), strongly suggesting that the variant is a benign polymorphism found primarily in populations of East Asian origin. c.53572C>T has been reported in the literature in at least one individuals affected with Epilepsy (Mao_2017). This report does not provide unequivocal conclusions about association of the variant with Dilated Cardiomyopathy. To our knowledge, no experimental evidence demonstrating an impact on protein function has been reported. Two clinical diagnostic laboratories have submitted clinical-significance assessments for this variant to ClinVar after 2014 without evidence for independent evaluation and classified the variant as likely benign/benign. Based on the evidence outlined above, the variant was classified as likely benign.

Ambry Genetics
Classification: Uncertain significance for Cardiovascular phenotype. Last evaluated: 2018-11-05. Review status: criteria provided, single submitter. Criteria: Ambry Variant Classification Scheme 2023. Collection method: clinical testing. Allele origin: germline.
Comment: The p.L11361F variant (also known as c.34081C>T), located in coding exon 131 of the TTN gene, results from a C to T substitution at nucleotide position 34081. The leucine at codon 11361 is replaced by phenylalanine, an amino acid with highly similar properties. This amino acid position is well conserved in available vertebrate species; however, phenylalanine is the reference amino acid in other vertebrate species. In addition, this alteration is predicted to be tolerated by in silico analysis. Since supporting evidence is limited at this time, the clinical significance of this alteration remains unclear.

Illumina Laboratory Services, Illumina
Classification: Benign for Tibial muscular dystrophy. Last evaluated: 2018-01-12. Review status: criteria provided, single submitter. Criteria: ICSL Variant Classification Criteria 13 December 2019. Collection method: clinical testing. Allele origin: germline.
Comment: This variant was observed in the ICSL laboratory as part of a predisposition screen in an ostensibly healthy population. It had not been previously curated by ICSL or reported in the Human Gene Mutation Database (HGMD: prior to June 1st, 2018), and was therefore a candidate for classification through an automated scoring system. Utilizing variant allele frequency, disease prevalence and penetrance estimates, and inheritance mode, an automated score was calculated to assess if this variant is too frequent to cause the disease. Based on the score and internal cut-off values, a variant classified as benign is not then subjected to further curation. The score for this variant resulted in a classification of benign for this disease.

Illumina Laboratory Services, Illumina
Classification: Uncertain significance for Early-onset myopathy with fatal cardiomyopathy. Last evaluated: 2018-01-12. Review status: criteria provided, single submitter. Criteria: ICSL Variant Classification Criteria 13 December 2019. Collection method: clinical testing. Allele origin: germline.

Illumina Laboratory Services, Illumina
Classification: Benign for Myopathy, myofibrillar, 9, with early respiratory failure. Last evaluated: 2018-01-12. Review status: criteria provided, single submitter. Criteria: ICSL Variant Classification Criteria 13 December 2019. Collection method: clinical testing. Allele origin: germline.
Comment: the same text as in the submission from Illumina Laboratory Services, Illumina above.

Illumina Laboratory Services, Illumina
Classification: Uncertain significance for Dilated cardiomyopathy 1G. Last evaluated: 2018-01-12. Review status: criteria provided, single submitter. Criteria: ICSL Variant Classification Criteria 13 December 2019. Collection method: clinical testing. Allele origin: germline.

Illumina Laboratory Services, Illumina
Classification: Uncertain significance for Autosomal recessive limb-girdle muscular dystrophy type 2J. Last evaluated: 2018-01-12. Review status: criteria provided, single submitter. Criteria: ICSL Variant Classification Criteria 13 December 2019. Collection method: clinical testing. Allele origin: germline.

PreventionGenetics, part of Exact Sciences
Classification: Likely benign for TTN-related condition. Last evaluated: 2023-04-20. Review status: no assertion criteria provided. Collection method: clinical testing. Allele origin: germline. Not counted in ClinVar's aggregate classification.
Comment: This variant is classified as likely benign based on ACMG/AMP sequence variant interpretation guidelines (Richards et al. 2015 PMID: 25741868, with internal and published modifications).

Literature cited by the submitters: PubMed 28487569 (cited by Women's Health and Genetics/Laboratory Corporation of America, LabCorp).